The following is an entry in ClinVar:

NM_000059.4(BRCA2):c.5501_5503del (p.Ser1834del)

Gene: BRCA2 (BRCA2 DNA repair associated; plus strand). Cytogenetic location: 13q13.1.
Variant type: Deletion.
Coding change: c.5501_5503del on transcript NM_000059.4 (MANE Select); coding-DNA positions 5501 to 5503, 3 bases deleted (GTA; older notation c.5501_5503delGTA).
Protein change: p.Ser1834del; deletes serine 1834.
Molecular consequence: non-coding transcript variant (on NR_176251.1). On other transcripts: intron variant (2).
Genome position (GRCh38, 1-based): chr13:32,339,856-32,339,858, GTA deleted; deleting any 3 consecutive bases within chr13:32,339,854-32,339,858 gives the same sequence; the c. name uses the placement nearest the transcript's 3' end. VCF-style (leftmost placement, unchanged base first): chr13-32339853-ATAG-A. GRCh37 (hg19) VCF-style: chr13-32913990-ATAG-A.
Other names: c.5501_5503del, p.Ser1834del (NM_001406719.1, NM_001406720.1, NM_001432077.1); c.1910-4702_1910-4700del (NM_001406721.1); c.425-4702_425-4700del (NM_001406722.1); short protein forms S1834del.
Identifiers: ClinVar variation 3992823 (VCV003992823.1).

ClinVar aggregate classification (germline): Uncertain significance (1 of 4 stars; one submission).

Conditions:
Hereditary cancer-predisposing syndrome. Also called: Tumor predisposition; Hereditary neoplastic syndrome; Neoplastic Syndromes, Hereditary; Hereditary Cancer Syndrome. Identifiers: Orphanet 140162, MedGen C0027672, MeSH D009386, MONDO:0015356.

Submission:

Ambry Genetics
Classification: Uncertain significance for Hereditary cancer-predisposing syndrome. Last evaluated: 2025-05-27. Review status: criteria provided, single submitter. Criteria: Ambry Variant Classification Scheme 2023. Collection method: clinical testing. Allele origin: germline.
Comment: The c.5501_5503delGTA variant (also known as p.S1834del) is located in coding exon 10 of the BRCA2 gene. This variant results from an in-frame GTA deletion at nucleotide positions 5501 to 5503. This results in the in-frame deletion of a serine at codon 1834. This amino acid position is not well conserved in available vertebrate species. In addition, this variant is predicted to be deleterious by in silico analysis (Choi Y et al. PLoS ONE. 2012; 7(10):e46688). Based on the available evidence, the clinical significance of this variant remains unclear.